The following is an entry in ClinVar:

ClinVar aggregate classification (germline): Uncertain significance (1 of 4 stars; one submission).

Conditions:
Hereditary cancer-predisposing syndrome. Also called: Neoplastic Syndromes, Hereditary; Tumor predisposition; Hereditary Cancer Syndrome; Hereditary neoplastic syndrome. Identifiers: Orphanet 140162, MedGen C0027672, MeSH D009386, MONDO:0015356.
Cardiovascular phenotype. Identifiers: MedGen CN230736.

Submission:

Ambry Genetics
Classification: Uncertain significance for Cardiovascular phenotype; Hereditary cancer-predisposing syndrome. Last evaluated: 2021-11-19. Review status: criteria provided, single submitter. Criteria: Ambry Variant Classification Scheme 2023. Collection method: clinical testing. Allele origin: germline.
Comment: The p.Y119H variant (also known as c.355T>C), located in coding exon 4 of the LZTR1 gene, results from a T to C substitution at nucleotide position 355. The tyrosine at codon 119 is replaced by histidine, an amino acid with similar properties. This amino acid position is highly conserved in available vertebrate species. In addition, the in silico prediction for this alteration is inconclusive. Since supporting evidence is limited at this time, the clinical significance of this alteration remains unclear.

NM_006767.4(LZTR1):c.355T>C (p.Tyr119His)

Gene: LZTR1 (leucine zipper like post translational regulator 1; plus strand). Cytogenetic location: 22q11.21.
Variant type: single nucleotide variant.
Coding change: c.355T>C on transcript NM_006767.4 (MANE Select); coding-DNA position 355, T replaced by C.
Protein change: p.Tyr119His; replaces tyrosine 119 with histidine.
Molecular consequence: missense variant.
Genome position (GRCh38, 1-based): chr22:20,987,538, T>C. VCF-style: chr22-20987538-T-C. GRCh37 (hg19) VCF-style: chr22-21341827-T-C.
Other names: short protein forms Y119H.
Identifiers: ClinVar variation 1732695 (VCV001732695.2), dbSNP rs2518612492, ClinGen allele CA410779321.